The following is an entry in ClinVar:

NM_000051.4(ATM):c.1654C>G (p.Pro552Ala)

Gene: ATM (ATM serine/threonine kinase; plus strand). Cytogenetic location: 11q22.3.
Variant type: single nucleotide variant.
Coding change: c.1654C>G on transcript NM_000051.4 (MANE Select); coding-DNA position 1654, C replaced by G.
Protein change: p.Pro552Ala; replaces proline 552 with alanine.
Molecular consequence: missense variant.
Genome position (GRCh38, 1-based): chr11:108,251,883, C>G. VCF-style: chr11-108251883-C-G. GRCh37 (hg19) VCF-style: chr11-108122610-C-G.
Other names: c.1654C>G, p.Pro552Ala (NM_001351834.2); short protein forms P552A.
Identifiers: ClinVar variation 2851332 (VCV002851332.3), dbSNP rs1199781239, ClinGen allele CA382535052.

ClinVar aggregate classification (germline): Uncertain significance (1 of 4 stars; one submission).

Conditions:
Ataxia-telangiectasia syndrome (AT). Also called: LOUIS-BAR SYNDROME; Cerebello-oculocutaneous telangiectasia; Immunodeficiency with ataxia telangiectasia; Ataxia telangiectasia (A-T); ATAXIA-TELANGIECTASIA, COMPLEMENTATION GROUP A; ATAXIA-TELANGIECTASIA, FRESNO VARIANT. Identifiers: Orphanet 100, MedGen C0004135, MONDO:0008840, OMIM 208900.

gnomAD v4.1: 1 of 1,613,786 alleles (0.000062%); highest among the groups gnomAD compares: Non-Finnish European, 0.000085%; no homozygotes.

Submission:

Labcorp Genetics (formerly Invitae), Labcorp
Classification: Uncertain significance for Ataxia-telangiectasia syndrome. Last evaluated: 2023-07-28. Review status: criteria provided, single submitter. Criteria: Invitae Variant Classification Sherloc (09022015). Collection method: clinical testing. Allele origin: germline.
Comment: This sequence change replaces proline, which is neutral and non-polar, with alanine, which is neutral and non-polar, at codon 552 of the ATM protein (p.Pro552Ala). This variant is present in population databases (no rsID available, gnomAD 0.0009%). This variant has not been reported in the literature in individuals affected with ATM-related conditions. An algorithm developed to predict the effect of missense changes on protein structure and function (PolyPhen-2) suggests that this variant is likely to be disruptive. In summary, the available evidence is currently insufficient to determine the role of this variant in disease. Therefore, it has been classified as a Variant of Uncertain Significance.